The following is an entry in ClinVar:

ClinVar aggregate classification (germline): Uncertain significance. Review status: criteria provided, multiple submitters, no conflicts (2 of 4 stars). 3 submissions from 3 submitters: Uncertain significance (3). Last evaluated 2025-10-14.

Conditions:
Hereditary cancer-predisposing syndrome. Also called: Tumor predisposition; Hereditary Cancer Syndrome; Hereditary neoplastic syndrome; Neoplastic Syndromes, Hereditary. Identifiers: Orphanet 140162, MedGen C0027672, MeSH D009386, MONDO:0015356.
Multiple endocrine neoplasia, type 2 (MEN2). Identifiers: Orphanet 653, MedGen C4048306, MONDO:0019003. Disease mechanism: gain of function.

Allele frequency attached by ClinVar (database versions not stated): ExAC 0.00001.
gnomAD v4.1: 17 of 1,614,210 alleles (0.0011%); highest among the groups gnomAD compares: Non-Finnish European, 0.0014%; no homozygotes.

Submissions (3):

Ambry Genetics
Classification: Uncertain significance for Hereditary cancer-predisposing syndrome. Last evaluated: 2025-10-14. Review status: criteria provided, single submitter. Criteria: Ambry Variant Classification Scheme 2023. Collection method: clinical testing. Allele origin: germline.
Comment: The p.K1007M variant (also known as c.3020A>T), located in coding exon 18 of the RET gene, results from an A to T substitution at nucleotide position 3020. The lysine at codon 1007 is replaced by methionine, an amino acid with similar properties. This amino acid position is conserved. In addition, the in silico prediction for this alteration is inconclusive. Since supporting evidence is limited at this time, the clinical significance of this alteration remains unclear.

Labcorp Genetics (formerly Invitae), Labcorp
Classification: Uncertain significance for Multiple endocrine neoplasia, type 2. Last evaluated: 2025-04-07. Review status: criteria provided, single submitter. Criteria: Invitae Variant Classification Sherloc (09022015). Collection method: clinical testing. Allele origin: germline.
Comment: This sequence change replaces lysine, which is basic and polar, with methionine, which is neutral and non-polar, at codon 1007 of the RET protein (p.Lys1007Met). This variant is present in population databases (rs759798237, gnomAD 0.0009%). This variant has not been reported in the literature in individuals affected with RET-related conditions. ClinVar contains an entry for this variant (Variation ID: 2625014). An algorithm developed to predict the effect of missense changes on protein structure and function (PolyPhen-2) suggests that this variant is likely to be disruptive. In summary, the available evidence is currently insufficient to determine the role of this variant in disease. Therefore, it has been classified as a Variant of Uncertain Significance.

All of Us Research Program, National Institutes of Health
Classification: Uncertain significance for Multiple endocrine neoplasia, type 2. Last evaluated: 2024-06-17. Review status: criteria provided, single submitter. Criteria: ACMG Guidelines, 2015. Collection method: clinical testing. Allele origin: germline. Inheritance: Autosomal dominant inheritance. Observed: 2 variant alleles, 2 heterozygotes.
Comment: This missense variant replaces lysine with methionine at codon 1007 of the RET protein. Computational prediction suggests that this variant may have deleterious impact on protein structure and function (internally defined REVEL score threshold >= 0.7, PMID: 27666373). To our knowledge, functional studies have not been reported for this variant. This variant has not been reported in individuals affected with RET-related disorders in the literature. This variant has been identified in 1/251442 chromosomes in the general population by the Genome Aggregation Database (gnomAD). The available evidence is insufficient to determine the role of this variant in disease conclusively. Therefore, this variant is classified as a Variant of Uncertain Significance.

This study involves interpretation of variants in research participants for the purpose of population health screening. Participant phenotype was not available at the time of variant classification. Additional details can be found in publication PMID: 35346344, PMCID: PMC8962531

NM_020975.6(RET):c.3020A>T (p.Lys1007Met)

Gene: RET (ret proto-oncogene; plus strand). Cytogenetic location: 10q11.21.
Variant type: single nucleotide variant.
Coding change: c.3020A>T on transcript NM_020975.6 (MANE Select); coding-DNA position 3020, A replaced by T.
Protein change: p.Lys1007Met; replaces lysine 1007 with methionine.
Molecular consequence: missense variant.
Genome position (GRCh38, 1-based): chr10:43,124,963, A>T. VCF-style: chr10-43124963-A-T. GRCh37 (hg19) VCF-style: chr10-43620411-A-T.
Other names: c.3020A>T, p.Lys1007Met (NM_000323.2, NM_001406743.1, NM_001406744.1 and 4 more transcripts); c.2258A>T, p.Lys753Met (NM_001355216.2); c.2891A>T, p.Lys964Met (NM_001406761.1, NM_001406762.1, NM_001406764.1); c.2885A>T, p.Lys962Met (NM_001406763.1, NM_001406765.1); c.2732A>T, p.Lys911Met (NM_001406766.1, NM_001406767.1, NM_001406770.1); c.2756A>T, p.Lys919Met (NM_001406768.1); c.2624A>T, p.Lys875Met (NM_001406769.1, NM_001406772.1); c.2582A>T, p.Lys861Met (NM_001406771.1, NM_001406773.1); and 10 more; short protein forms K753M, K861M, K911M, K962M, K524M, K663M, K765M, K1007M.
Identifiers: ClinVar variation 2625014 (VCV002625014.6), dbSNP rs759798237, ClinGen allele CA042024.